The following is an entry in ClinVar:

NM_005263.5(GFI1):c.149A>G (p.Glu50Gly)

Gene: GFI1 (growth factor independent 1 transcriptional repressor; minus strand). Cytogenetic location: 1p22.1.
Variant type: single nucleotide variant.
Coding change: c.149A>G on transcript NM_005263.5 (MANE Select); coding-DNA position 149, A replaced by G.
Protein change: p.Glu50Gly; replaces glutamic acid 50 with glycine.
Molecular consequence: missense variant.
Genome position (GRCh38, 1-based): chr1:92,483,013, T>C on the plus strand (A>G on the coding strand, the complement: GFI1 is on the minus strand). VCF-style: chr1-92483013-T-C. GRCh37 (hg19) VCF-style: chr1-92948570-T-C.
Other names: c.149A>G, p.Glu50Gly (NM_001127215.3, NM_001127216.3); short protein forms E50G.
Identifiers: ClinVar variation 2741122 (VCV002741122.3), dbSNP rs1658350292, ClinGen allele CA341150586.

ClinVar aggregate classification (germline): Uncertain significance (1 of 4 stars; one submission).

Conditions:
Neutropenia, severe congenital, 2, autosomal dominant. Identifiers: Orphanet 486, MedGen C2751288, MONDO:0013139, OMIM 613107.

Allele frequency attached by ClinVar (database versions not stated): gnomAD exomes below 0.00001.
gnomAD v4.1: 1 of 1,604,380 alleles (0.000062%); highest among the groups gnomAD compares: Non-Finnish European, 0.000085%; no homozygotes.

Submission:

Labcorp Genetics (formerly Invitae), Labcorp
Classification: Uncertain significance for Neutropenia, severe congenital, 2, autosomal dominant. Last evaluated: 2023-05-27. Review status: criteria provided, single submitter. Criteria: Invitae Variant Classification Sherloc (09022015). Collection method: clinical testing. Allele origin: germline.
Comment: This variant is not present in population databases (gnomAD no frequency). This sequence change replaces glutamic acid, which is acidic and polar, with glycine, which is neutral and non-polar, at codon 50 of the GFI1 protein (p.Glu50Gly). This variant has not been reported in the literature in individuals affected with GFI1-related conditions. Advanced modeling of protein sequence and biophysical properties (such as structural, functional, and spatial information, amino acid conservation, physicochemical variation, residue mobility, and thermodynamic stability) performed at Invitae indicates that this missense variant is not expected to disrupt GFI1 protein function. In summary, the available evidence is currently insufficient to determine the role of this variant in disease. Therefore, it has been classified as a Variant of Uncertain Significance.